The following is an entry in ClinVar:

ClinVar aggregate classification (germline): Uncertain significance (1 of 4 stars; one submission).

Submission:

Labcorp Genetics (formerly Invitae), Labcorp
Classification: Uncertain significance. Last evaluated: 2021-04-10. Review status: criteria provided, single submitter. Criteria: Invitae Variant Classification Sherloc (09022015). Collection method: clinical testing. Allele origin: germline.
Comment: In summary, the available evidence is currently insufficient to determine the role of this variant in disease. Therefore, it has been classified as a Variant of Uncertain Significance. Algorithms developed to predict the effect of missense changes on protein structure and function are either unavailable or do not agree on the potential impact of this missense change (SIFT: "Deleterious"; PolyPhen-2: "Benign"; Align-GVGD: "Class C65"). This variant has not been reported in the literature in individuals with MERTK-related conditions. This variant is not present in population databases (ExAC no frequency). This sequence change replaces serine with arginine at codon 205 of the MERTK protein (p.Ser205Arg). The serine residue is highly conserved and there is a moderate physicochemical difference between serine and arginine.

NM_006343.3(MERTK):c.615C>A (p.Ser205Arg)

Gene: MERTK (MER proto-oncogene, tyrosine kinase; plus strand). Cytogenetic location: 2q13.
Variant type: single nucleotide variant.
Coding change: c.615C>A on transcript NM_006343.3 (MANE Select); coding-DNA position 615, C replaced by A.
Protein change: p.Ser205Arg; replaces serine 205 with arginine.
Molecular consequence: missense variant.
Genome position (GRCh38, 1-based): chr2:111,947,425, C>A. VCF-style: chr2-111947425-C-A. GRCh37 (hg19) VCF-style: chr2-112705002-C-A.
Other names: short protein forms S205R.
Identifiers: ClinVar variation 1476438 (VCV001476438.8), dbSNP rs2104704618, ClinGen allele CA348229016.